The following is an entry in ClinVar:

ClinVar aggregate classification (germline): Benign (1 of 4 stars; one submission).

Allele frequency attached by ClinVar (database versions not stated): 1000 Genomes Project 30x 0.13242; 1000 Genomes Project 0.13319; TOPMed 0.16284; gnomAD 0.17561; ESP Exome Variant Server 0.18025.
gnomAD v4.1: 307,577 of 1,600,072 alleles (19%); highest among the groups gnomAD compares: Middle Eastern, 21%; 30,741 homozygotes.

Submission:

Unidad de Genómica Garrahan, Hospital de Pediatría Garrahan
Classification: Benign. Last evaluated: 2024-01-24. Review status: criteria provided, single submitter. Criteria: ACMG Guidelines, 2015. Collection method: clinical testing. Allele origin: germline. Affected: no. Observed: 26 variant alleles.
Comment: This variant is classified as Benign based on local population frequency. This variant was detected in 27% of patients studied by a panel of primary immunodeficiencies. Number of patients: 26. Only high quality variants are reported.

NM_004946.3(DOCK2):c.*67G>A

Gene: DOCK2 (dedicator of cytokinesis 2; plus strand). Cytogenetic location: 5q35.1.
Variant type: single nucleotide variant.
Coding change: c.*67G>A on transcript NM_004946.3 (MANE Select); 67 bases downstream of the stop codon, G replaced by A.
Molecular consequence: 3 prime UTR variant. On other transcripts: non-coding transcript variant (1).
Genome position (GRCh38, 1-based): chr5:170,082,925, G>A. VCF-style: chr5-170082925-G-A. GRCh37 (hg19) VCF-style: chr5-169509929-G-A.
Identifiers: ClinVar variation 2688278 (VCV002688278.2), dbSNP rs55803405, ClinGen allele CA12016277.
Genomic context (GRCh38, chr5:170,082,925, plus strand): 5'-GCTGACTAGGGCTGCATGGGAGAGCCAGGGAGGGGAGTTTCTGGAAGAGGAAAGCCATGC[G>A]TGGAACATCGAAGCCTCAGAGAGTGGGAGACTGTCCCCATCAGTTGTCCTTACTTAGAGG-3'